The following is an entry in ClinVar:

ClinVar aggregate classification (germline): Uncertain significance (1 of 4 stars; one submission).

Conditions:
Growth hormone insensitivity with immune dysregulation 1, autosomal recessive. Also called: GROWTH HORMONE INSENSITIVITY DUE TO POSTRECEPTOR DEFECT; LARON SYNDROME DUE TO POSTRECEPTOR DEFECT; GROWTH HORMONE INSENSITIVITY SYNDROME WITH IMMUNE DYSREGULATION 1, AUTOSOMAL RECESSIVE; Laron syndrome with immunodeficiency. Identifiers: Orphanet 220465, MedGen C5435698, MONDO:0100211, OMIM 245590.

Submission:

Labcorp Genetics (formerly Invitae), Labcorp
Classification: Uncertain significance for Growth hormone insensitivity with immune dysregulation 1, autosomal recessive. Last evaluated: 2025-05-12. Review status: criteria provided, single submitter. Criteria: Invitae Variant Classification Sherloc (09022015). Collection method: clinical testing. Allele origin: germline.
Comment: This sequence change replaces serine, which is neutral and polar, with glycine, which is neutral and non-polar, at codon 393 of the STAT5B protein (p.Ser393Gly). This variant is not present in population databases (gnomAD no frequency). This variant has not been reported in the literature in individuals affected with STAT5B-related conditions. An algorithm developed to predict the effect of missense changes on protein structure and function (PolyPhen-2) suggests that this variant is likely to be tolerated. In summary, the available evidence is currently insufficient to determine the role of this variant in disease. Therefore, it has been classified as a Variant of Uncertain Significance.

NM_012448.4(STAT5B):c.1177A>G (p.Ser393Gly)

Gene: STAT5B (signal transducer and activator of transcription 5B; minus strand). Cytogenetic location: 17q21.2.
Variant type: single nucleotide variant.
Coding change: c.1177A>G on transcript NM_012448.4 (MANE Select); coding-DNA position 1177, A replaced by G.
Protein change: p.Ser393Gly; replaces serine 393 with glycine.
Molecular consequence: missense variant.
Genome position (GRCh38, 1-based): chr17:42,217,457, T>C on the plus strand (A>G on the coding strand, the complement: STAT5B is on the minus strand). VCF-style: chr17-42217457-T-C. GRCh37 (hg19) VCF-style: chr17-40369475-T-C.
Other names: short protein forms S393G.
Identifiers: ClinVar variation 4718990 (VCV004718990.1).